The following is an entry in ClinVar:

NM_052874.5(STX1B):c.151G>A (p.Glu51Lys)

Gene: STX1B (syntaxin 1B; minus strand). Cytogenetic location: 16p11.2.
Variant type: single nucleotide variant.
Coding change: c.151G>A on transcript NM_052874.5 (MANE Select); coding-DNA position 151, G replaced by A.
Protein change: p.Glu51Lys; replaces glutamic acid 51 with lysine.
Molecular consequence: missense variant.
Genome position (GRCh38, 1-based): chr16:31,001,148, C>T on the plus strand (G>A on the coding strand, the complement: STX1B is on the minus strand). VCF-style: chr16-31001148-C-T. GRCh37 (hg19) VCF-style: chr16-31012469-C-T.
Other names: short protein forms E51K.
Identifiers: ClinVar variation 2134259 (VCV002134259.4), dbSNP rs2056626216, ClinGen allele CA395651585.
Genomic context (GRCh38, chr16:31,001,148, plus strand): 5'-ACTCACTCTCATCTGGGTTGGGTGCGGCCAGGATGGCGCTATGCTGTTTTTTCACCTGCT[C>T]CACATCCTCCGACAGTTTCTCAATGCAGCCCCGGATCTCTTCCACCTGGAGCAGAAAATC-3'
Protein context (NP_443106.1, residues 41-61): GCIEKLSEDV[Glu51Lys]QVKKQHSAIL

ClinVar aggregate classification (germline): Uncertain significance (1 of 4 stars; one submission).

Conditions:
Generalized epilepsy with febrile seizures plus, type 9 (GEFSP9). Also called: GEFS+, TYPE 9. Identifiers: Orphanet 36387, MedGen C4015395, MONDO:0014517, OMIM 616172.

Submission:

Labcorp Genetics (formerly Invitae), Labcorp
Classification: Uncertain significance for Generalized epilepsy with febrile seizures plus, type 9. Last evaluated: 2022-05-05. Review status: criteria provided, single submitter. Criteria: Invitae Variant Classification Sherloc (09022015). Collection method: clinical testing. Allele origin: germline.
Comment: In summary, the available evidence is currently insufficient to determine the role of this variant in disease. Therefore, it has been classified as a Variant of Uncertain Significance. Algorithms developed to predict the effect of missense changes on protein structure and function (SIFT, PolyPhen-2, Align-GVGD) all suggest that this variant is likely to be tolerated. This variant has not been reported in the literature in individuals affected with STX1B-related conditions. This variant is not present in population databases (gnomAD no frequency). This sequence change replaces glutamic acid, which is acidic and polar, with lysine, which is basic and polar, at codon 51 of the STX1B protein (p.Glu51Lys).